The following is an entry in ClinVar:

ClinVar aggregate classification (germline): Uncertain significance (1 of 4 stars; one submission).

Conditions:
Arrhythmogenic cardiomyopathy with wooly hair and keratoderma. Also called: PALMOPLANTAR KERATODERMA WITH LEFT VENTRICULAR CARDIOMYOPATHY AND WOOLLY HAIR; Carvajal syndrome; Dilated cardiomyopathy with woolly hair and keratoderma; Arrhythmogenic cardiomyopathy with woolly hair and keratoderma. Identifiers: Orphanet 65282, MedGen C1854063, MONDO:0011581, OMIM 605676.

Submission:

All of Us Research Program, National Institutes of Health
Classification: Uncertain significance for Arrhythmogenic cardiomyopathy with wooly hair and keratoderma. Last evaluated: 2023-06-26. Review status: criteria provided, single submitter. Criteria: ACMG Guidelines, 2015. Collection method: clinical testing. Allele origin: germline. Inheritance: Autosomal dominant inheritance. Observed: 1 variant allele, 1 heterozygote.
Comment: This missense variant replaces glycine with arginine at codon 2537 of the DSP protein. Computational prediction is inconclusive regarding the impact of this variant on protein structure and function (internally defined REVEL score threshold 0.5 < inconclusive < 0.7, PMID: 27666373). To our knowledge, functional studies have not been reported for this variant. This variant has not been reported in individuals affected with DSP-related disorders in the literature. This variant has not been identified in the general population by the Genome Aggregation Database (gnomAD). The available evidence is insufficient to determine the role of this variant in disease conclusively. Therefore, this variant is classified as a Variant of Uncertain Significance.

This study involves interpretation of variants in research participants for the purpose of population health screening. Participant phenotype was not available at the time of variant classification. Additional details can be found in publication PMID: 35346344, PMCID: PMC8962531

NM_004415.4(DSP):c.7609G>C (p.Gly2537Arg)

Gene: DSP (desmoplakin; plus strand). Cytogenetic location: 6p24.3.
Variant type: single nucleotide variant.
Coding change: c.7609G>C on transcript NM_004415.4 (MANE Select); coding-DNA position 7609, G replaced by C.
Protein change: p.Gly2537Arg; replaces glycine 2537 with arginine.
Molecular consequence: missense variant.
Genome position (GRCh38, 1-based): chr6:7,584,871, G>C. VCF-style: chr6-7584871-G-C. GRCh37 (hg19) VCF-style: chr6-7585104-G-C.
Other names: c.5812G>C, p.Gly1938Arg (NM_001008844.3); c.6280G>C, p.Gly2094Arg (NM_001319034.2); short protein forms G1938R, G2094R, G2537R.
Identifiers: ClinVar variation 3071860 (VCV003071860.1), dbSNP rs1000961554, ClinGen allele CA133976291.